The following is an entry in ClinVar:

ClinVar aggregate classification (germline): Pathogenic (1 of 4 stars; one submission).

Conditions:
Hereditary breast ovarian cancer syndrome. Also called: Hereditary breast and ovarian cancer; Hereditary breast and ovarian cancer syndrome (HBOC); Breast and ovarian cancer; Hereditary breast and ovarian cancer syndrome; Hereditary breast and/or ovarian cancer syndrome; BRCA1- and BRCA2-Associated Hereditary Breast and Ovarian Cancer. Identifiers: Orphanet 145, MedGen C0677776, MeSH D061325, MONDO:0003582. Disease mechanism: loss of function.

Submission:

Labcorp Genetics (formerly Invitae), Labcorp
Classification: Pathogenic for Hereditary breast ovarian cancer syndrome. Last evaluated: 2022-03-08. Review status: criteria provided, single submitter. Criteria: Invitae Variant Classification Sherloc (09022015). Collection method: clinical testing. Allele origin: germline.
Comment: This sequence change creates a premature translational stop signal (p.Tyr232Ilefs*9) in the BRCA2 gene. It is expected to result in an absent or disrupted protein product. Loss-of-function variants in BRCA2 are known to be pathogenic (PMID: 20104584). This variant is not present in population databases (gnomAD no frequency). This variant has not been reported in the literature in individuals affected with BRCA2-related conditions. Algorithms developed to predict the effect of sequence changes on RNA splicing suggest that this variant may create or strengthen a splice site. For these reasons, this variant has been classified as Pathogenic.

Literature cited by the submitters: PubMed 20104584.

NM_000059.4(BRCA2):c.693del (p.Tyr232fs)

Gene: BRCA2 (BRCA2 DNA repair associated; plus strand). Cytogenetic location: 13q13.1.
Variant type: Deletion.
Coding change: c.693del on transcript NM_000059.4 (MANE Select); coding-DNA position 693, one base deleted (C; older notation c.693delC).
Protein change: p.Tyr232fs; shifts the reading frame from tyrosine 232.
Molecular consequence: frameshift variant.
Genome position (GRCh38, 1-based): chr13:32,330,930, C deleted. VCF-style (leftmost placement, unchanged base first): chr13-32330929-GC-G. GRCh37 (hg19) VCF-style: chr13-32905066-GC-G.
Other names: short protein forms Y232fs.
Identifiers: ClinVar variation 1452204 (VCV001452204.6), dbSNP rs2137461170, ClinGen allele CA2573149302.